The following is an entry in ClinVar:

ClinVar aggregate classification (germline): Uncertain significance (1 of 4 stars; one submission).

Conditions:
Hereditary cancer-predisposing syndrome. Also called: Neoplastic Syndromes, Hereditary; Tumor predisposition; Hereditary Cancer Syndrome; Hereditary neoplastic syndrome. Identifiers: Orphanet 140162, MedGen C0027672, MeSH D009386, MONDO:0015356.

Submission:

Ambry Genetics
Classification: Uncertain significance for Hereditary cancer-predisposing syndrome. Last evaluated: 2020-12-23. Review status: criteria provided, single submitter. Criteria: Ambry Variant Classification Scheme 2023. Collection method: clinical testing. Allele origin: germline.
Comment: The p.E213G variant (also known as c.638A>G), located in coding exon 4 of the BARD1 gene, results from an A to G substitution at nucleotide position 638. The glutamic acid at codon 213 is replaced by glycine, an amino acid with similar properties. This amino acid position is not well conserved in available vertebrate species. In addition, this alteration is predicted to be tolerated by in silico analysis. Since supporting evidence is limited at this time, the clinical significance of this alteration remains unclear.

NM_000465.4(BARD1):c.638A>G (p.Glu213Gly)

Gene: BARD1 (BRCA1 associated RING domain 1; minus strand). Cytogenetic location: 2q35.
Variant type: single nucleotide variant.
Coding change: c.638A>G on transcript NM_000465.4 (MANE Select); coding-DNA position 638, A replaced by G.
Protein change: p.Glu213Gly; replaces glutamic acid 213 with glycine.
Molecular consequence: missense variant. On other transcripts: non-coding transcript variant (2), intron variant (3).
Genome position (GRCh38, 1-based): chr2:214,781,236, T>C on the plus strand (A>G on the coding strand, the complement: BARD1 is on the minus strand). VCF-style: chr2-214781236-T-C. GRCh37 (hg19) VCF-style: chr2-215645960-T-C.
Other names: c.581A>G, p.Glu194Gly (NM_001282543.2); c.158+28176A>G (NM_001282548.2); c.215+15825A>G (NM_001282545.2); c.364+11061A>G (NM_001282549.2); short protein forms E194G, E213G.
Identifiers: ClinVar variation 1753207 (VCV001753207.2), dbSNP rs2469510707, ClinGen allele CA350456627.